The following is an entry in ClinVar:

ClinVar aggregate classification (germline): Uncertain significance (1 of 4 stars; one submission).

Allele frequency attached by ClinVar (database versions not stated): TOPMed 0.00014; gnomAD exomes 0.00002 and 0.00003; ExAC 0.00003; ESP Exome Variant Server 0.00008; gnomAD 0.00008 and 0.00009.
gnomAD v4.1: 59 of 1,608,586 alleles (0.0037%); highest among the groups gnomAD compares: African/African-American, 0.024%; no homozygotes.

Submission:

Labcorp Genetics (formerly Invitae), Labcorp
Classification: Uncertain significance. Last evaluated: 2025-11-11. Review status: criteria provided, single submitter. Criteria: Invitae Variant Classification Sherloc (09022015). Collection method: clinical testing. Allele origin: germline.
Comment: This sequence change falls in intron 11 of the DDX58 gene. It does not directly change the encoded amino acid sequence of the DDX58 protein. It affects a nucleotide within the consensus splice site. This variant is present in population databases (rs370145412, gnomAD 0.03%). This variant has not been reported in the literature in individuals affected with DDX58-related conditions. ClinVar contains an entry for this variant (Variation ID: 1520236). Variants that disrupt the consensus splice site are a relatively common cause of aberrant splicing (PMID: 17576681, 9536098). Algorithms developed to predict the effect of sequence changes on RNA splicing suggest that this variant is not likely to affect RNA splicing. In summary, the available evidence is currently insufficient to determine the role of this variant in disease. Therefore, it has been classified as a Variant of Uncertain Significance.

Literature cited by the submitters: PubMed 17576681; PubMed 9536098.

NM_014314.4(RIGI):c.1638+4C>T

Gene: RIGI (RNA sensor RIG-I; minus strand). Cytogenetic location: 9p21.1.
Variant type: single nucleotide variant.
Coding change: c.1638+4C>T on transcript NM_014314.4 (MANE Select); 4 bases into the intron after coding-DNA position 1638, C replaced by T.
Molecular consequence: intron variant.
Genome position (GRCh38, 1-based): chr9:32,481,336, G>A on the plus strand (C>T on the coding strand, the complement: RIGI is on the minus strand). VCF-style: chr9-32481336-G-A. GRCh37 (hg19) VCF-style: chr9-32481334-G-A.
Other names: c.1029+4C>T (NM_001385912.1); c.1623+4C>T (NM_001385913.1); c.1632+4C>T (NM_001385907.1); c.1638+4C>T (NM_001385909.1); c.1194+4C>T (NM_001385914.1); c.1197+4C>T (NM_001385910.1).
Identifiers: ClinVar variation 1520236 (VCV001520236.6), dbSNP rs370145412, ClinGen allele CA5019741.